The following is an entry in ClinVar:

ClinVar aggregate classification (germline): Uncertain significance (1 of 4 stars; one submission).

Conditions:
Aicardi-Goutieres syndrome 6 (AGS6). Identifiers: Orphanet 51, MedGen C3539013, MONDO:0014007, OMIM 615010.
Symmetrical dyschromatosis of extremities (DSH). Also called: SYMMETRIC DYSCHROMATOSIS OF THE EXTREMITIES; Dyschromatosis symmetrica hereditaria; RETICULATE ACROPIGMENTATION OF DOHI; DYSCHROMATOSIS SYMMETRICA HEREDITARIA 1. Identifiers: Orphanet 41, MedGen C0406775, MONDO:0007483, OMIM 127400.

Submission:

Labcorp Genetics (formerly Invitae), Labcorp
Classification: Uncertain significance for Aicardi-Goutieres syndrome 6; Symmetrical dyschromatosis of extremities. Last evaluated: 2025-09-03. Review status: criteria provided, single submitter. Criteria: Invitae Variant Classification Sherloc (09022015). Collection method: clinical testing. Allele origin: germline.
Comment: This sequence change replaces threonine, which is neutral and polar, with serine, which is neutral and polar, at codon 805 of the ADAR protein (p.Thr805Ser). This variant is not present in population databases (gnomAD no frequency). This variant has not been reported in the literature in individuals affected with ADAR-related conditions. ClinVar contains an entry for this variant (Variation ID: 1508155). An algorithm developed to predict the effect of missense changes on protein structure and function outputs the following: PolyPhen-2: "Benign". The serine amino acid residue is found in multiple mammalian species, which suggests that this missense change does not adversely affect protein function. In summary, the available evidence is currently insufficient to determine the role of this variant in disease. Therefore, it has been classified as a Variant of Uncertain Significance.

NM_001111.5(ADAR):c.2413A>T (p.Thr805Ser)

Gene: ADAR (adenosine deaminase RNA specific; minus strand). Cytogenetic location: 1q21.3.
Variant type: single nucleotide variant.
Coding change: c.2413A>T on transcript NM_001111.5 (MANE Select); coding-DNA position 2413, A replaced by T.
Protein change: p.Thr805Ser; replaces threonine 805 with serine.
Molecular consequence: missense variant.
Genome position (GRCh38, 1-based): chr1:154,590,267, T>A on the plus strand (A>T on the coding strand, the complement: ADAR is on the minus strand). VCF-style: chr1-154590267-T-A. GRCh37 (hg19) VCF-style: chr1-154562743-T-A.
Other names: c.1528A>T, p.Thr510Ser (NM_001025107.3, NM_001193495.2, NM_001365046.1 and 3 more transcripts); c.2440A>T, p.Thr814Ser (NM_001365045.1); c.2413A>T, p.Thr805Ser (NM_015840.4); c.2356A>T, p.Thr786Ser (NM_015841.4); short protein forms T805S, T814S, T510S, T786S.
Identifiers: ClinVar variation 1508155 (VCV001508155.6), dbSNP rs1325328855, ClinGen allele CA342637301.